The following is an entry in ClinVar:

ClinVar aggregate classification (germline): Likely pathogenic (0 of 4 stars; one submission).

Conditions:
Pyruvate dehydrogenase E1-alpha deficiency (PDHAD). Also called: ATAXIA, INTERMITTENT, WITH PYRUVATE DEHYDROGENASE DEFICIENCY; ATAXIA WITH LACTIC ACIDOSIS I; ATAXIA, INTERMITTENT, WITH ABNORMAL PYRUVATE METABOLISM; Ataxia, intermittent, with pyruvate dehydrogenase, or decarboxylase, deficiency. Identifiers: Orphanet 79243, MedGen C1839413, MONDO:0010717, OMIM 312170.

Submission:

PDHA1 Study Group, University Children’s Hospital, Paracelsus Medical University
Classification: Likely pathogenic for Pyruvate dehydrogenase E1-alpha deficiency. Last evaluated: 2024-10-15. Review status: no assertion criteria provided. Collection method: research. Allele origin: germline. Affected: yes. Observed: 1 variant allele.
Comment: The NM_000284.3:c.272G>C (p.Cys91Ser) substitution is a missense variant in PDHA1 gene. These include . Last literature search: July 12, 2024. This variant is absent or extremely rare in population-based cohorts in the Genome Aggregation Database (gnomAD). Individuals harboring this variant presented with clinical features compatible with PDHA1-related PDHc deficiency. In summary, this variant meets criteria to be classified as likely pathogenic (LP) for PDHA1-related PDHc deficiency based on the ACMG/AMP criteria applied: PM1, PM2, PP3, PP4 (last assessment October 15, 2024).

Literature cited by the submitters: DOI 10.1093/brain/awaf430.

NM_000284.4(PDHA1):c.272G>C (p.Cys91Ser)

Gene: PDHA1 (pyruvate dehydrogenase E1 subunit alpha 1; plus strand). Cytogenetic location: Xp22.12.
Variant type: single nucleotide variant.
Coding change: c.272G>C on transcript NM_000284.4 (MANE Select); coding-DNA position 272, G replaced by C.
Protein change: p.Cys91Ser; replaces cysteine 91 with serine.
Molecular consequence: missense variant.
Genome position (GRCh38, 1-based): chrX:19,350,091, G>C. VCF-style: chrX-19350091-G-C. GRCh37 (hg19) VCF-style: chrX-19368209-G-C.
Other names: c.386G>C, p.Cys129Ser (NM_001173454.2); c.272G>C, p.Cys91Ser (NM_001173455.2, NM_001173456.2); short protein forms C129S, C91S.
Identifiers: ClinVar variation 4070304 (VCV004070304.1).
Genomic context (GRCh38, chrX:19,350,091, plus strand): 5'-TACGCCGAATGGAGTTGAAAGCAGATCAGCTGTATAAACAGAAAATTATTCGTGGTTTCT[G>C]TCACTTGTGTGATGGTCAGGTGAGTGGTAGGTTTGTGGTGGAACTGTGTTATTTAGGTAC-3'
Protein context (NP_000275.1, residues 81-101): LYKQKIIRGF[Cys91Ser]HLCDGQEACC